The following is an entry in ClinVar:

ClinVar aggregate classification (germline): Benign/Likely benign. Review status: criteria provided, multiple submitters, no conflicts (2 of 4 stars). 14 submissions from 13 submitters: Benign (3); Likely benign (8). 3 of the submissions do not count toward it. Last evaluated 2026-07-01.

Conditions:
Polyps, multiple and recurrent inflammatory fibroid, gastrointestinal. Identifiers: MedGen C5193005, MONDO:0008285, OMIM 175510.
Idiopathic hypereosinophilic syndrome (HES). Identifiers: Orphanet 3260, MedGen C0206141, MONDO:0011895, OMIM 607685. Disease mechanism: gain of function.
Gastrointestinal stromal tumor. Also called: Gastrointestinal stroma tumor; Gastrointestinal stromal tumor, somatic. Identifiers: Orphanet 44890, MedGen C0238198, MeSH D046152, MONDO:0011719, OMIM 606764, HP:0100723.
Hereditary cancer-predisposing syndrome. Also called: Neoplastic Syndromes, Hereditary; Tumor predisposition; Hereditary Cancer Syndrome; Hereditary neoplastic syndrome. Identifiers: Orphanet 140162, MedGen C0027672, MeSH D009386, MONDO:0015356.

Allele frequency attached by ClinVar (database versions not stated): 1000 Genomes Project 30x 0.00156; 1000 Genomes Project 0.00180; ESP Exome Variant Server 0.00185; TOPMed 0.00193; ExAC 0.00195; gnomAD exomes 0.00199 and 0.00298; gnomAD 0.00204 and 0.00206.
gnomAD v4.1: 4,628 of 1,614,148 alleles (0.29%); highest among the groups gnomAD compares: Non-Finnish European, 0.36%; 5 homozygotes.

Submissions (14):

CeGaT Center for Human Genetics Tuebingen
Classification: Likely benign. Last evaluated: 2026-07-01. Review status: criteria provided, single submitter. Criteria: CeGaT Center For Human Genetics Tuebingen Variant Classification Criteria Version 2. Collection method: clinical testing. Allele origin: germline. Affected: yes. Observed: 22 variant alleles.
Comment: PDGFRA: BP4, BP7

Myriad Genetics, Inc.
Classification: Benign for Polyps, multiple and recurrent inflammatory fibroid, gastrointestinal. Last evaluated: 2026-06-16. Review status: criteria provided, single submitter. Criteria: Myriad Autosomal Dominant, Autosomal Recessive and X-Linked Classification Criteria (2023). Collection method: clinical testing. Allele origin: unknown.
Comment: This variant is considered benign. This variant is a silent/synonymous amino acid change and it is not expected to impact splicing.

Labcorp Genetics (formerly Invitae), Labcorp
Classification: Benign for Gastrointestinal stromal tumor. Last evaluated: 2026-02-04. Review status: criteria provided, single submitter. Criteria: Invitae Variant Classification Sherloc (09022015). Collection method: clinical testing. Allele origin: germline.

Blueprint Genetics
Classification: Likely benign. Last evaluated: 2024-11-26. Review status: criteria provided, single submitter. Criteria: ACMG Guidelines, 2015. Collection method: clinical testing. Allele origin: germline.

ARUP Laboratories, Molecular Genetics and Genomics, ARUP Laboratories
Classification: Likely benign. Last evaluated: 2024-11-12. Review status: criteria provided, single submitter. Criteria: ARUP Molecular Germline Variant Investigation Process 2024. Collection method: clinical testing. Allele origin: germline.

Mayo Clinic Laboratories, Mayo Clinic
Classification: Likely benign. Last evaluated: 2024-10-22. Review status: criteria provided, single submitter. Criteria: ACMG Guidelines, 2015. Collection method: clinical testing. Allele origin: germline. Observed: 5 variant alleles.
Comment: BP4, BP7

Sema4
Classification: Likely benign for Hereditary cancer-predisposing syndrome. Last evaluated: 2021-06-25. Review status: criteria provided, single submitter. Criteria: Sema4 Curation Guidelines. Collection method: curation. Allele origin: germline.

GeneDx
Classification: Likely benign. Last evaluated: 2020-12-05. Review status: criteria provided, single submitter. Criteria: GeneDx Variant Classification Process June 2021. Collection method: clinical testing. Allele origin: germline. Affected: yes.

Ambry Genetics
Classification: Likely benign for Hereditary cancer-predisposing syndrome. Last evaluated: 2018-10-10. Review status: criteria provided, single submitter. Criteria: Ambry Variant Classification Scheme 2023. Collection method: clinical testing. Allele origin: germline.

Illumina Laboratory Services, Illumina
Classification: Benign for Idiopathic hypereosinophilic syndrome. Last evaluated: 2018-01-13. Review status: criteria provided, single submitter. Criteria: ICSL Variant Classification Criteria 13 December 2019. Collection method: clinical testing. Allele origin: germline.
Comment: This variant was observed in the ICSL laboratory as part of a predisposition screen in an ostensibly healthy population. It had not been previously curated by ICSL or reported in the Human Gene Mutation Database (HGMD: prior to June 1st, 2018), and was therefore a candidate for classification through an automated scoring system. Utilizing variant allele frequency, disease prevalence and penetrance estimates, and inheritance mode, an automated score was calculated to assess if this variant is too frequent to cause the disease. Based on the score and internal cut-off values, a variant classified as benign is not then subjected to further curation. The score for this variant resulted in a classification of benign for this disease.

Illumina Laboratory Services, Illumina
Classification: Likely benign for Gastrointestinal stromal tumor. Last evaluated: 2018-01-13. Review status: criteria provided, single submitter. Criteria: ICSL Variant Classification Criteria 13 December 2019. Collection method: clinical testing. Allele origin: germline.
Comment: This variant was observed in the ICSL laboratory as part of a predisposition screen in an ostensibly healthy population. It had not been previously curated by ICSL or reported in the Human Gene Mutation Database (HGMD: prior to June 1st, 2018), and was therefore a candidate for classification through an automated scoring system. Utilizing variant allele frequency, disease prevalence and penetrance estimates, and inheritance mode, an automated score was calculated to assess if this variant is too frequent to cause the disease. Based on the score and internal cut-off values, a variant classified as likely benign is not then subjected to further curation. The score for this variant resulted in a classification of likely benign for this disease.

Clinical Genetics DNA and cytogenetics Diagnostics Lab, Erasmus MC, Erasmus Medical Center
Classification: Likely benign. Review status: no assertion criteria provided. Collection method: clinical testing. Allele origin: germline. Affected: yes. Study: VKGL Data-share Consensus. Not counted in ClinVar's aggregate classification.

Genome Diagnostics Laboratory, Amsterdam University Medical Center
Classification: Likely benign. Review status: no assertion criteria provided. Collection method: clinical testing. Allele origin: germline. Affected: yes. Study: VKGL Data-share Consensus. Not counted in ClinVar's aggregate classification.

Laboratory of Diagnostic Genome Analysis, Leiden University Medical Center (LUMC)
Classification: Likely benign. Review status: no assertion criteria provided. Collection method: clinical testing. Allele origin: germline. Affected: yes. Study: VKGL Data-share Consensus. Not counted in ClinVar's aggregate classification.

NM_006206.6(PDGFRA):c.996C>T (p.Val332=)

Gene: PDGFRA (platelet derived growth factor receptor alpha; plus strand). Cytogenetic location: 4q12.
Variant type: single nucleotide variant.
Coding change: c.996C>T on transcript NM_006206.6 (MANE Select); coding-DNA position 996, C replaced by T.
Protein change: p.Val332=; no amino-acid change (valine 332 retained).
Molecular consequence: synonymous variant.
Genome position (GRCh38, 1-based): chr4:54,267,616, C>T. VCF-style: chr4-54267616-C-T. GRCh37 (hg19) VCF-style: chr4-55133783-C-T.
Other names: p.Val332=; c.996C>T, p.Val332= (NM_001347829.2, NM_001347827.2); c.1035C>T, p.Val345= (NM_001347830.2); c.1071C>T, p.Val357= (NM_001347828.2).
Identifiers: ClinVar variation 221101 (VCV000221101.54), dbSNP rs142498442, ClinGen allele CA349424.